The following is an entry in ClinVar:

ClinVar aggregate classification (germline): Pathogenic/Likely pathogenic. Review status: criteria provided, multiple submitters, no conflicts (2 of 4 stars). 4 submissions from 4 submitters: Pathogenic (1); Likely pathogenic (2). 1 of the submissions does not count toward it. Last evaluated 2025-05-27.

Conditions:
Neurofibromatosis, type 1 (NF1). Also called: VON RECKLINGHAUSEN DISEASE; NEUROFIBROMATOSIS, TYPE I, SOMATIC; Peripheral type neurofibromatosis; Neurofibromatosis, type I. Identifiers: Orphanet 636, MedGen C0027831, MONDO:0018975, OMIM 162200. Disease mechanism: loss of function.
Cardiovascular phenotype. Identifiers: MedGen CN230736.
Hereditary cancer-predisposing syndrome. Also called: Hereditary Cancer Syndrome; Tumor predisposition; Hereditary neoplastic syndrome; Neoplastic Syndromes, Hereditary. Identifiers: Orphanet 140162, MedGen C0027672, MeSH D009386, MONDO:0015356.

Submissions (4):

GeneDx
Classification: Likely pathogenic. Last evaluated: 2025-05-27. Review status: criteria provided, single submitter. Criteria: GeneDx Variant Classification Process June 2021. Collection method: clinical testing. Allele origin: germline. Affected: yes.
Comment: Not observed at significant frequency in large population cohorts (gnomAD); In silico analysis supports that this missense variant has a deleterious effect on protein structure/function; This variant is associated with the following publications: (PMID: 30877234, 26056819)

Ambry Genetics
Classification: Likely pathogenic for Cardiovascular phenotype; Hereditary cancer-predisposing syndrome. Last evaluated: 2025-03-13. Review status: criteria provided, single submitter. Criteria: Ambry Variant Classification Scheme 2023. Collection method: clinical testing. Allele origin: germline.
Comment: The p.L249P variant (also known as c.746T>C), located in coding exon 8 of the NF1 gene, results from a T to C substitution at nucleotide position 746. The leucine at codon 249 is replaced by proline, an amino acid with similar properties. This variant was reported in individual(s) with features consistent with neurofibromatosis type 1 (Zhang J et al. Sci Rep 2015 Jun;5:11291; Sharifi S et al. Balkan Med J, 2021 Nov;38:365-373; Ambry internal data). This amino acid position is highly conserved in available vertebrate species. In addition, this alteration is predicted to be deleterious by in silico analysis. This variant is considered to be rare based on population cohorts in the Genome Aggregation Database (gnomAD). Based on the majority of available evidence to date, this variant is likely to be pathogenic.

Labcorp Genetics (formerly Invitae), Labcorp
Classification: Pathogenic for Neurofibromatosis, type 1. Last evaluated: 2023-05-27. Review status: criteria provided, single submitter. Criteria: Invitae Variant Classification Sherloc (09022015). Collection method: clinical testing. Allele origin: germline.
Comment: For these reasons, this variant has been classified as Pathogenic. This sequence change replaces leucine, which is neutral and non-polar, with proline, which is neutral and non-polar, at codon 249 of the NF1 protein (p.Leu249Pro). This variant is not present in population databases (gnomAD no frequency). This missense change has been observed in individual(s) with clinical features of neurofibromatosis type 1 (PMID: 26056819; Invitae). In at least one individual the variant was observed to be de novo. ClinVar contains an entry for this variant (Variation ID: 618755). Advanced modeling of protein sequence and biophysical properties (such as structural, functional, and spatial information, amino acid conservation, physicochemical variation, residue mobility, and thermodynamic stability) performed at Invitae indicates that this missense variant is expected to disrupt NF1 protein function.

ARUP Laboratories, Molecular Genetics and Genomics, ARUP Laboratories
Classification: Uncertain significance. Last evaluated: 2018-01-02. Review status: flagged submission. Criteria: ARUP Molecular Germline Variant Investigation Process. Collection method: clinical testing. Allele origin: germline. Not counted in ClinVar's aggregate classification.
Comment: The NF1 c.746T>C; p.Leu249Pro variant is reported in the medical literature in an individual with some features of neurofibromatosis type I, but did not meet diagnostic criteria (Zhang 2015). The variant is not listed in the ClinVar database, in the dbSNP variant database, or in the population-based databases (Exome Variant Server, Genome Aggregation Database). The leucine at this position is highly conserved across species and computational algorithms (PolyPhen2, SIFT) predict this variant is deleterious. Considering available information, there is insufficient evidence to classify this variant with certainty. References: Zhang J et al. Molecular Characterization of NF1 and Neurofibromatosis Type 1 Genotype-Phenotype Correlations in a Chinese Population. Sci Rep. 2015 Jun 9;5:11291.
ClinVar note: Reason: Older and outlier claim with insufficient supporting evidence

Literature cited by the submitters: PubMed 34860164 (cited by Ambry Genetics); PubMed 26056819 (cited by Labcorp Genetics (formerly Invitae), Labcorp).

NM_001042492.3(NF1):c.746T>C (p.Leu249Pro)

Gene: NF1 (neurofibromin 1; plus strand). Cytogenetic location: 17q11.2.
Variant type: single nucleotide variant.
Coding change: c.746T>C on transcript NM_001042492.3 (MANE Select); coding-DNA position 746, T replaced by C.
Protein change: p.Leu249Pro; replaces leucine 249 with proline.
Molecular consequence: missense variant.
Genome position (GRCh38, 1-based): chr17:31,182,523, T>C. VCF-style: chr17-31182523-T-C. GRCh37 (hg19) VCF-style: chr17-29509541-T-C.
Other names: c.746T>C, p.Leu249Pro (NM_000267.4, NM_001128147.3); short protein forms L249P.
Identifiers: ClinVar variation 618755 (VCV000618755.20), dbSNP rs1567826623, ClinGen allele CA398990566.